The following is an entry in ClinVar:

ClinVar aggregate classification (germline): Uncertain significance (1 of 4 stars; one submission).

Conditions:
Cardiovascular phenotype. Identifiers: MedGen CN230736.

Submission:

Ambry Genetics
Classification: Uncertain significance for Cardiovascular phenotype. Last evaluated: 2024-10-28. Review status: criteria provided, single submitter. Criteria: Ambry Variant Classification Scheme 2023. Collection method: clinical testing. Allele origin: germline.
Comment: The c.1906+4A>C intronic variant results from an A to C substitution 4 nucleotides after coding exon 36 in the TRDN gene. This nucleotide position is well conserved in available vertebrate species. In silico splice site analysis predicts that this alteration may weaken the native splice donor site. Based on the available evidence, the clinical significance of this variant remains unclear.

NM_006073.4(TRDN):c.1906+4A>C

Gene: TRDN (triadin; minus strand). Cytogenetic location: 6q22.31.
Variant type: single nucleotide variant.
Coding change: c.1906+4A>C on transcript NM_006073.4 (MANE Select); 4 bases into the intron after coding-DNA position 1906, A replaced by C.
Molecular consequence: intron variant.
Genome position (GRCh38, 1-based): chr6:123,255,863, T>G on the plus strand (A>C on the coding strand, the complement: TRDN is on the minus strand). VCF-style: chr6-123255863-T-G. GRCh37 (hg19) VCF-style: chr6-123577008-T-G.
Identifiers: ClinVar variation 3461004 (VCV003461004.1).